The following is an entry in ClinVar:

ClinVar aggregate classification (germline): Likely benign. Review status: criteria provided, single submitter (1 of 4 stars). 2 submissions from 2 submitters: Likely benign (1). 1 of the submissions does not count toward it. Last evaluated 2025-04-09.

Conditions:
SDCCAG8-related disorder. Also called: SDCCAG8-Related Disorders; SDCCAG8-related condition.
Senior-Loken syndrome 7 (SLSN7). Identifiers: Orphanet 3156, MedGen C3150877, MONDO:0013326, OMIM 613615.
Bardet-Biedl syndrome 16 (BBS16). Identifiers: Orphanet 110, MedGen C3889474, MONDO:0014444, OMIM 615993.

Allele frequency attached by ClinVar (database versions not stated): gnomAD exomes 0.00001.
gnomAD v4.1: 8 of 1,614,062 alleles (0.0005%); highest among the groups gnomAD compares: Non-Finnish European, 0.00068%; no homozygotes.

Submissions (2):

Labcorp Genetics (formerly Invitae), Labcorp
Classification: Likely benign for Bardet-Biedl syndrome 16; Senior-Loken syndrome 7. Last evaluated: 2025-04-09. Review status: criteria provided, single submitter. Criteria: Invitae Variant Classification Sherloc (09022015). Collection method: clinical testing. Allele origin: germline.

PreventionGenetics, part of Exact Sciences
Classification: Likely benign for SDCCAG8-related condition. Last evaluated: 2022-11-15. Review status: no assertion criteria provided. Collection method: clinical testing. Allele origin: germline. Not counted in ClinVar's aggregate classification.
Comment: This variant is classified as likely benign based on ACMG/AMP sequence variant interpretation guidelines (Richards et al. 2015 PMID: 25741868, with internal and published modifications).

NM_006642.5(SDCCAG8):c.1095G>A (p.Arg365=)

Gene: SDCCAG8 (SHH signaling and ciliogenesis regulator SDCCAG8; plus strand). Cytogenetic location: 1q43.
Variant type: single nucleotide variant.
Coding change: c.1095G>A on transcript NM_006642.5 (MANE Select); coding-DNA position 1095, G replaced by A.
Protein change: p.Arg365=; no amino-acid change (arginine 365 retained).
Molecular consequence: synonymous variant.
Genome position (GRCh38, 1-based): chr1:243,330,566, G>A. VCF-style: chr1-243330566-G-A. GRCh37 (hg19) VCF-style: chr1-243493868-G-A.
Other names: c.1095G>A (NM_006642.3); c.192G>A, p.Arg64= (NM_001350246.2, NM_001350247.2, NM_001350251.2); c.1191G>A, p.Arg397= (NM_001350248.2); c.801G>A, p.Arg267= (NM_001350249.2).
Identifiers: ClinVar variation 1964152 (VCV001964152.7), dbSNP rs2527970378, ClinGen allele CA424105922.